The following is an entry in ClinVar:

ClinVar aggregate classification (germline): Uncertain significance (1 of 4 stars; one submission).

Conditions:
Primary ciliary dyskinesia. Also called: Ciliary dyskinesia. Identifiers: Orphanet 244, MedGen C0008780, MONDO:0016575, HP:0012265.

Submission:

Labcorp Genetics (formerly Invitae), Labcorp
Classification: Uncertain significance for Primary ciliary dyskinesia. Last evaluated: 2022-06-09. Review status: criteria provided, single submitter. Criteria: Invitae Variant Classification Sherloc (09022015). Collection method: clinical testing. Allele origin: germline.
Comment: This sequence change replaces glycine, which is neutral and non-polar, with aspartic acid, which is acidic and polar, at codon 363 of the DNAI1 protein (p.Gly363Asp). This variant is not present in population databases (gnomAD no frequency). This variant has not been reported in the literature in individuals affected with DNAI1-related conditions. Algorithms developed to predict the effect of missense changes on protein structure and function are either unavailable or do not agree on the potential impact of this missense change (SIFT: "Tolerated"; PolyPhen-2: "Probably Damaging"; Align-GVGD: "Class C0"). In summary, the available evidence is currently insufficient to determine the role of this variant in disease. Therefore, it has been classified as a Variant of Uncertain Significance.

NM_012144.4(DNAI1):c.1088G>A (p.Gly363Asp)

Gene: DNAI1 (dynein axonemal intermediate chain 1; plus strand). Cytogenetic location: 9p13.3.
Variant type: single nucleotide variant.
Coding change: c.1088G>A on transcript NM_012144.4 (MANE Select); coding-DNA position 1088, G replaced by A.
Protein change: p.Gly363Asp; replaces glycine 363 with aspartic acid.
Molecular consequence: missense variant.
Genome position (GRCh38, 1-based): chr9:34,506,651, G>A. VCF-style: chr9-34506651-G-A. GRCh37 (hg19) VCF-style: chr9-34506649-G-A.
Other names: c.1100G>A, p.Gly367Asp (NM_001281428.2); short protein forms G367D, G363D.
Identifiers: ClinVar variation 2163657 (VCV002163657.1), dbSNP rs1470058689, ClinGen allele CA373256279.